The following is an entry in ClinVar:

NM_002564.4(P2RY2):c.408dup (p.Arg137fs)

Gene: P2RY2 (purinergic receptor P2Y2; plus strand). Cytogenetic location: 11q13.4.
Variant type: Duplication.
Coding change: c.408dup on transcript NM_002564.4 (MANE Select); coding-DNA position 408, one base duplicated (A; older notation c.408dupA).
Protein change: p.Arg137fs; shifts the reading frame from arginine 137.
Molecular consequence: frameshift variant.
Genome position (GRCh38, 1-based): chr11:73,234,567, A duplicated. VCF-style (leftmost placement, unchanged base first): chr11-73234566-T-TA. GRCh37 (hg19) VCF-style: chr11-72945611-T-TA.
Other names: c.408dup, p.Arg137fs (NM_176071.3, NM_176072.3); short protein forms R137fs.
Identifiers: ClinVar variation 2642133 (VCV002642133.24), dbSNP rs2495553376, ClinGen allele CA2574917805.

ClinVar aggregate classification (germline): Uncertain significance (1 of 4 stars; one submission).

Submission:

CeGaT Center for Human Genetics Tuebingen
Classification: Uncertain significance. Last evaluated: 2023-04-01. Review status: criteria provided, single submitter. Criteria: CeGaT Center For Human Genetics Tuebingen Variant Classification Criteria Version 2. Collection method: clinical testing. Allele origin: germline. Affected: yes. Observed: 1 variant allele.
Comment: P2RY2: PM2